The following is an entry in ClinVar:

NM_002972.4(SBF1):c.4842C>T (p.Asn1614=)

Gene: SBF1 (SET binding factor 1; minus strand). Cytogenetic location: 22q13.33.
Variant type: single nucleotide variant.
Coding change: c.4842C>T on transcript NM_002972.4 (MANE Select); coding-DNA position 4842, C replaced by T.
Protein change: p.Asn1614=; no amino-acid change (asparagine 1614 retained).
Molecular consequence: synonymous variant.
Genome position (GRCh38, 1-based): chr22:50,454,713, G>A on the plus strand (C>T on the coding strand, the complement: SBF1 is on the minus strand). VCF-style: chr22-50454713-G-A. GRCh37 (hg19) VCF-style: chr22-50893142-G-A.
Other names: c.4767C>T, p.Asn1589= (NM_001365819.1); c.4845C>T, p.Asn1615= (NM_001410794.1); c.4764C>T, p.Asn1588= (NM_001410795.1); c.4842C>T, p.Asn1614= (NM_197971.1).
Identifiers: ClinVar variation 2901785 (VCV002901785.10), dbSNP rs765525431, ClinGen allele CA10316095.

ClinVar aggregate classification (germline): Likely benign. Review status: criteria provided, multiple submitters, no conflicts (2 of 4 stars). 2 submissions from 2 submitters: Likely benign (2). Last evaluated 2025-03-01.

Allele frequency attached by ClinVar (database versions not stated): ExAC 0.00001; gnomAD exomes 0.00001; TOPMed 0.00002; gnomAD 0.00003.
gnomAD v4.1: 21 of 1,567,612 alleles (0.0013%); highest among the groups gnomAD compares: Admixed American, 0.0095%; no homozygotes.

Submissions (2):

CeGaT Center for Human Genetics Tuebingen
Classification: Likely benign. Last evaluated: 2025-03-01. Review status: criteria provided, single submitter. Criteria: CeGaT Center For Human Genetics Tuebingen Variant Classification Criteria Version 2. Collection method: clinical testing. Allele origin: germline. Affected: yes. Observed: 1 variant allele.
Comment: SBF1: BP4, BP7

Labcorp Genetics (formerly Invitae), Labcorp
Classification: Likely benign. Last evaluated: 2023-10-18. Review status: criteria provided, single submitter. Criteria: Invitae Variant Classification Sherloc (09022015). Collection method: clinical testing. Allele origin: germline.